The following is an entry in ClinVar:

NM_000088.4(COL1A1):c.*7T>A

Gene: COL1A1 (collagen type I alpha 1 chain; minus strand). Cytogenetic location: 17q21.33.
Variant type: single nucleotide variant.
Coding change: c.*7T>A on transcript NM_000088.4 (MANE Select); 7 bases downstream of the stop codon, T replaced by A.
Molecular consequence: 3 prime UTR variant.
Genome position (GRCh38, 1-based): chr17:50,185,495, A>T on the plus strand (T>A on the coding strand, the complement: COL1A1 is on the minus strand). VCF-style: chr17-50185495-A-T. GRCh37 (hg19) VCF-style: chr17-48262856-A-T.
Identifiers: ClinVar variation 4688827 (VCV004688827.1).

ClinVar aggregate classification (germline): Uncertain significance (1 of 4 stars; one submission).

Submission:

Women's Health and Genetics/Laboratory Corporation of America, LabCorp
Classification: Uncertain significance. Last evaluated: 2025-12-24. Review status: criteria provided, single submitter. Criteria: LabCorp Variant Classification Summary - May 2015. Collection method: clinical testing. Allele origin: germline.
Comment: Variant summary: COL1A1 c.*7T>A is located in the untranslated mRNA region downstream of the termination codon. The variant allele was found at a frequency of 8e-06 in 250980 control chromosomes. The available data on variant occurrences in the general population are insufficient to allow any conclusion about variant significance. To our knowledge, no occurrence of c.*7T>A in individuals affected with COL1A1-related conditions and no experimental evidence demonstrating its impact on protein function have been reported. No submitters have cited clinical-significance assessments for this variant to ClinVar. Based on the evidence outlined above, the variant was classified as uncertain significance.